The following is an entry in ClinVar:

NM_002528.7(NTHL1):c.417G>A (p.Thr139=)

Gene: NTHL1 (nth like DNA glycosylase 1; minus strand). Cytogenetic location: 16p13.3.
Variant type: single nucleotide variant.
Coding change: c.417G>A on transcript NM_002528.7 (MANE Select); coding-DNA position 417, G replaced by A.
Protein change: p.Thr139=; no amino-acid change (threonine 139 retained).
Molecular consequence: synonymous variant. On other transcripts: intron variant (1).
Genome position (GRCh38, 1-based): chr16:2,044,738, C>T on the plus strand (G>A on the coding strand, the complement: NTHL1 is on the minus strand). VCF-style: chr16-2044738-C-T. GRCh37 (hg19) VCF-style: chr16-2094739-C-T.
Other names: c.87G>A, p.Thr29= (NM_001318194.2); c.355-1012G>A (NM_001318193.2).
Identifiers: ClinVar variation 757919 (VCV000757919.24), dbSNP rs1044127089, ClinGen allele CA276764616.
Genomic context (GRCh38, chr16:2,044,738, plus strand): 5'-TGTCTGCAGGATGCTGTCCACCGTCAGGCCCCGCGCCCGCAGTCGCTGCATGGCGCCCGC[C>T]GTCACCTGGTCTTTGGTTTGGCTGGAGAGCATCAGTGACAGCAGCACCTGGTACCTGCGT-3'
Protein context (NP_002519.2, residues 129-149): MLSSQTKDQV[Thr139=]AGAMQRLRAR

ClinVar aggregate classification (germline): Likely benign. Review status: criteria provided, multiple submitters, no conflicts (2 of 4 stars). 6 submissions from 6 submitters: Likely benign (6). Last evaluated 2026-03-01.

Conditions:
Familial adenomatous polyposis 3. Also called: NTHL1-associated polyposis; NTHL1-Related Adenomatous Polyposis and Colorectal Cancer; NTHL1-related attenuated familial adenomatous polyposis; NTHL1 Tumor Syndrome. Identifiers: Orphanet 220460, Orphanet 454840, MedGen C4225157, MONDO:0014630, OMIM 616415.
Hereditary cancer-predisposing syndrome. Also called: Hereditary Cancer Syndrome; Tumor predisposition; Hereditary neoplastic syndrome; Neoplastic Syndromes, Hereditary. Identifiers: Orphanet 140162, MedGen C0027672, MeSH D009386, MONDO:0015356.

Allele frequency attached by ClinVar (database versions not stated): gnomAD 0.00001; gnomAD exomes 0.00001; TOPMed 0.00001.
gnomAD v4.1: 17 of 1,612,258 alleles (0.0011%); highest among the groups gnomAD compares: East Asian, 0.0089%; no homozygotes.

Submissions (6):

CeGaT Center for Human Genetics Tuebingen
Classification: Likely benign. Last evaluated: 2026-03-01. Review status: criteria provided, single submitter. Criteria: CeGaT Center For Human Genetics Tuebingen Variant Classification Criteria Version 2. Collection method: clinical testing. Allele origin: germline. Affected: yes. Observed: 2 variant alleles.
Comment: NTHL1: BP4, BP7

Labcorp Genetics (formerly Invitae), Labcorp
Classification: Likely benign. Last evaluated: 2025-12-30. Review status: criteria provided, single submitter. Criteria: Invitae Variant Classification Sherloc (09022015). Collection method: clinical testing. Allele origin: germline.

Department of Pathology and Laboratory Medicine, Sinai Health System
Classification: Likely benign for Familial adenomatous polyposis 3. Last evaluated: 2024-09-16. Review status: criteria provided, single submitter. Criteria: ACMG Guidelines, 2015. Collection method: clinical testing. Allele origin: germline.

Quest Diagnostics Nichols Institute San Juan Capistrano
Classification: Likely benign. Last evaluated: 2023-06-21. Review status: criteria provided, single submitter. Criteria: Quest Diagnostics criteria. Collection method: clinical testing. Allele origin: unknown.

Blueprint Genetics
Classification: Likely benign. Last evaluated: 2022-01-21. Review status: criteria provided, single submitter. Criteria: ACMG Guidelines, 2015. Collection method: clinical testing. Allele origin: germline.

Ambry Genetics
Classification: Likely benign for Hereditary cancer-predisposing syndrome. Last evaluated: 2020-06-01. Review status: criteria provided, single submitter. Criteria: Ambry Variant Classification Scheme 2023. Collection method: clinical testing. Allele origin: germline.